The following is an entry in ClinVar:

NM_014679.5(CEP57):c.118C>T (p.Pro40Ser)

Gene: CEP57 (centrosomal protein 57; plus strand). Cytogenetic location: 11q21.
Variant type: single nucleotide variant.
Coding change: c.118C>T on transcript NM_014679.5 (MANE Select); coding-DNA position 118, C replaced by T.
Protein change: p.Pro40Ser; replaces proline 40 with serine.
Molecular consequence: missense variant.
Genome position (GRCh38, 1-based): chr11:95,799,304, C>T. VCF-style: chr11-95799304-C-T. GRCh37 (hg19) VCF-style: chr11-95532468-C-T.
Other names: c.91C>T, p.Pro31Ser (NM_001243776.2); c.118C>T, p.Pro40Ser (NM_001243777.2, NM_001440871.1, NM_001440872.1 and 6 more transcripts); c.37C>T, p.Pro13Ser (NM_001363604.2, NM_001440869.1, NM_001440870.1 and 4 more transcripts); short protein forms P13S, P31S, P40S.
Identifiers: ClinVar variation 4613725 (VCV004613725.1).
Genomic context (GRCh38, chr11:95,799,304, plus strand): 5'-GAGCCATCAAGGTCTAATGGAAGCATGGTTCGGCATTCTTCATCTCCATATGTAGTATAT[C>T]CTTCGGATAAGCCTTTCCTTAATAGTGATCTACGACGCTCCCCAAGTAAGCCTACACTTG-3'
Protein context (NP_055494.2, residues 30-50): RHSSSPYVVY[Pro40Ser]SDKPFLNSDL

ClinVar aggregate classification (germline): Uncertain significance (1 of 4 stars; one submission).

Conditions:
Inborn genetic diseases. Identifiers: MedGen C0950123, MeSH D030342.

Submission:

Ambry Genetics
Classification: Uncertain significance for Inborn genetic diseases. Last evaluated: 2025-12-03. Review status: criteria provided, single submitter. Criteria: Ambry Variant Classification Scheme 2023. Collection method: clinical testing. Allele origin: germline.
Comment: The p.P40S variant (also known as c.118C>T), located in coding exon 2 of the CEP57 gene, results from a C to T substitution at nucleotide position 118. The proline at codon 40 is replaced by serine, an amino acid with similar properties. This amino acid position is conserved. In addition, the in silico prediction for this alteration is inconclusive. Based on the available evidence, the clinical significance of this variant remains unclear.